The following is an entry in ClinVar:

ClinVar aggregate classification (germline): Pathogenic/Likely pathogenic. Review status: criteria provided, multiple submitters, no conflicts (2 of 4 stars). 10 submissions from 10 submitters: Pathogenic (8); Likely pathogenic (1). 1 of the submissions does not count toward it. Last evaluated 2024-09-21.

Conditions:
ABCC8-related disorder.
Hyperinsulinemic hypoglycemia, familial, 1 (HHF1). Also called: Persistent hyperinsulinemic hypoglycemia of infancy; HYPERINSULINISM, FAMILIAL, WITH PANCREATIC NESIDIOBLASTOSIS; HYPOGLYCEMIA, HYPERINSULINEMIC, OF INFANCY; NESIDIOBLASTOSIS OF PANCREAS; Persistent Hyperinsulinemia Hypoglycemia of Infancy. Identifiers: Orphanet 276575, Orphanet 276598, MedGen C2931832, MONDO:0009734, OMIM 256450.
Type 2 diabetes mellitus. Also called: Type II diabetes mellitus. Identifiers: MedGen C0011860, MeSH D003924, MONDO:0005148, OMIM 125853, HP:0005978.
Autosomal dominant hyperinsulinism due to SUR1 deficiency. Identifiers: Orphanet 276575, MedGen C4274080, MONDO:0017184.
Leucine-induced hypoglycemia (LIH). Also called: LEUCINE-SENSITIVE HYPOGLYCEMIA OF INFANCY. Identifiers: MedGen C0271714, MONDO:0009415, OMIM 240800.
Permanent neonatal diabetes mellitus (PNDM). Identifiers: Orphanet 99885, MedGen C1833104, MONDO:0100164, MONDO:0011643. Disease mechanism: gain of function.
Diabetes mellitus, transient neonatal, 2 (TNDM2). Identifiers: Orphanet 99886, MedGen C1835887, MONDO:0012480, OMIM 610374. Disease mechanism: loss of function.

Allele frequency attached by ClinVar (database versions not stated): TOPMed below 0.00001; gnomAD 0.00001.
gnomAD v4.1: 1 of 1,614,090 alleles (0.000062%); highest among the groups gnomAD compares: African/African-American, 0.0013%; no homozygotes.

Submissions (10):

Victorian Clinical Genetics Services, Murdoch Childrens Research Institute
Classification: Pathogenic for Hyperinsulinemic hypoglycemia, familial, 1. Last evaluated: 2024-09-21. Review status: criteria provided, single submitter. Criteria: ACMG Guidelines, 2015. Collection method: clinical testing. Allele origin: germline. Inheritance: Autosomal dominant inheritance. Affected: yes.
Comment: Based on the classification scheme VCGS_Germline_v1.3.4, this variant is classified as Pathogenic. Following criteria are met: 0103 - Loss of function and gain of function are known mechanisms of disease in this gene. Gain of function is associated with diabetes mellitus, noninsulin-dependent (MIM#125853), diabetes mellitus, permanent neonatal 3, with or without neurologic features (MIM#618857) and diabetes mellitus, transient neonatal 2 (MIM#610374), while loss of function is associated with hyperinsulinaemic hypoglycaemia, familial, 1 (MIM#256450) and hypoglycaemia of infancy, leucine-sensitive (MIM#240800) (PMIDs: 32376986, 32027066). (I) 0108 - This gene is known to be associated with both recessive and dominant disease. The ABCC8 gene has been associated with both autosomal recessive and dominant disease (PMID: 32027066). (I) 0112 - The condition associated with this gene has incomplete penetrance. Variable penetrance has been reported for hyperinsulinaemic hypoglycaemia, familial, 1 (MIM#256450) (PMID: 20301549). (I) 0200 - Variant is predicted to result in a missense amino acid change from glycine to arginine. (I) 0251 - This variant is heterozygous. (I) 0302 - Variant is present in gnomAD (v3) <0.001 for a dominant condition (1 heterozygote, 0 homozygotes). (SP) 0501 - Missense variant consistently predicted to be damaging by multiple in silico tools or highly conserved with a major amino acid change. (SP) 0600 - Variant is located in the annotated ABC transporter domain (DECIPHER). (I) 0801 - This variant has strong previous evidence of pathogenicity in unrelated individuals. This variant has been classified as pathogenic or likely pathogenic by clinical laboratories in ClinVar, and has been observed as heterozygous in individuals with hyperinsulinism of infancy, hyperinsulinaemic hypoglycaemia, or diabetes (PMIDs: 30977832, 30193751, 19475716, 32928245). (I) Legend: (SP) - Supporting pathogenic, (I) - Information, (SB) - Supporting benign

Labcorp Genetics (formerly Invitae), Labcorp
Classification: Pathogenic. Last evaluated: 2024-07-19. Review status: criteria provided, single submitter. Criteria: Invitae Variant Classification Sherloc (09022015). Collection method: clinical testing. Allele origin: germline.
Comment: This sequence change replaces glycine, which is neutral and non-polar, with arginine, which is basic and polar, at codon 1478 of the ABCC8 protein (p.Gly1478Arg). This variant is not present in population databases (gnomAD no frequency). This missense change has been observed in individual(s) with autosomal dominant congenital hyperinsulinism and autosomal dominant ABCC8-related early onset diabetes (PMID: 19475716, 30098243, 30977832, 32928245). In at least one individual the variant was observed to be de novo. ClinVar contains an entry for this variant (Variation ID: 434045). Advanced modeling of protein sequence and biophysical properties (such as structural, functional, and spatial information, amino acid conservation, physicochemical variation, residue mobility, and thermodynamic stability) performed at Invitae indicates that this missense variant is expected to disrupt ABCC8 protein function with a positive predictive value of 95%. For these reasons, this variant has been classified as Pathogenic.

Baylor Genetics
Classification: Pathogenic for Type 2 diabetes mellitus. Last evaluated: 2023-08-29. Review status: criteria provided, single submitter. Criteria: ACMG Guidelines, 2015. Collection method: clinical testing. Allele origin: unknown.

Women's Health and Genetics/Laboratory Corporation of America, LabCorp
Classification: Pathogenic for Hyperinsulinemic hypoglycemia, familial, 1. Last evaluated: 2023-08-25. Review status: criteria provided, single submitter. Criteria: LabCorp Variant Classification Summary - May 2015. Collection method: clinical testing. Allele origin: germline.
Comment: Variant summary: ABCC8 c.4432G>A (p.Gly1478Arg) results in a non-conservative amino acid change located in the ABC transporter-like, ATP-binding domain (IPR003439) of the encoded protein sequence. Five of five in-silico tools predict a damaging effect of the variant on protein function. The variant was absent in 251454 control chromosomes (gnomAD). c.4432G>A has been reported in the literature in multiple individuals affected with Dominant CH (e.g. Nichols_1996, Pinney_2008, Sandal_2009, Kapoor_2013), including at least one case of de novo inheritance (Sandal_2009), and it has been shown to segregate with the disease phenotype within family members, although with incomplete penetrance (Pinney_2008). These data indicate that the variant is very likely to be associated with disease. At least one publication reports experimental evidence evaluating an impact on protein function and found the variant resulted in diminished channel response to MgADP and diazoxide (Pinney_2008). The following publications have been ascertained in the context of this evaluation (PMID: 23345197, 8650576, 18596924, 19475716). Six submitters have cited clinical-significance assessments for this variant to ClinVar after 2014. All submitters classified the variant as pathogenic/likely pathogenic. Based on the evidence outlined above, the variant was classified as pathogenic.

Blueprint Genetics
Classification: Pathogenic for ABCC8-related disorders. Last evaluated: 2023-05-05. Review status: criteria provided, single submitter. Criteria: ACMG Guidelines, 2015. Collection method: clinical testing. Allele origin: germline. Affected: yes. Observed: 5 variant alleles.

Seattle Children's Hospital Molecular Genetics Laboratory, Seattle Children's Hospital
Classification: Pathogenic for Autosomal dominant hyperinsulinism due to SUR1 deficiency. Last evaluated: 2019-07-01. Review status: criteria provided, single submitter. Criteria: ACMG Guidelines, 2015. Collection method: clinical testing. Allele origin: unknown. Inheritance: Autosomal dominant inheritance. Affected: yes.
Comment: This is a recurrent variant that has been previously reported in individuals with congenital hyperinsulinism, albeit with variable expressivity and incomplete penetrance (PMID: 18596924, 19475716, 8650576, 23275527, 24401662).There are reports of both familial transmission of this variant (PMID: 18596924) and a sporadic case where the p.Gly1478Arg change occurred de novo (PMID: 19475716). The p.Gly1478Arg change falls within the second nucleotide-binding domain (NBD2) where MgADP binds (UniProtKB - Q09428). This variant has been experimentally demonstrated to impair responsiveness to channel agonists such as diazoxide and MgADP (PMID: 18596924). This variant has not been observed in large population cohorts (absent from >282,800 alleles tested; GnomAD v2.1).

Fulgent Genetics
Classification: Likely pathogenic for Type 2 diabetes mellitus; Leucine-induced hypoglycemia; Hyperinsulinemic hypoglycemia, familial, 1; Permanent neonatal diabetes mellitus 1; Diabetes mellitus, transient neonatal, 2. Last evaluated: 2018-10-31. Review status: criteria provided, single submitter. Criteria: ACMG Guidelines, 2015. Collection method: clinical testing. Allele origin: unknown.

Athena Diagnostics
Classification: Pathogenic. Last evaluated: 2018-06-25. Review status: criteria provided, single submitter. Criteria: Athena Diagnostics Criteria. Collection method: clinical testing. Allele origin: germline.

Genetic Services Laboratory, University of Chicago
Classification: Pathogenic for Hyperinsulinemic hypoglycemia, familial, 1. Last evaluated: 2016-07-21. Review status: criteria provided, single submitter. Criteria: ACMG Guidelines, 2015. Collection method: clinical testing. Allele origin: germline. Affected: yes.

Counsyl
Classification: Likely pathogenic for Hyperinsulinemic hypoglycemia, familial, 1. Last evaluated: 2018-02-16. Review status: no assertion criteria provided. Collection method: clinical testing. Allele origin: unknown. Not counted in ClinVar's aggregate classification.

Literature cited by the submitters: PubMed 19475716 (cited by 6 submitters); PubMed 20301549 (cited by Victorian Clinical Genetics Services, Murdoch Childrens Research Institute); PubMed 30193751 (cited by Victorian Clinical Genetics Services, Murdoch Childrens Research Institute); PubMed 30977832 (cited by Victorian Clinical Genetics Services, Murdoch Childrens Research Institute and Labcorp Genetics (formerly Invitae), Labcorp); PubMed 32027066 (cited by Victorian Clinical Genetics Services, Murdoch Childrens Research Institute); PubMed 32376986 (cited by Victorian Clinical Genetics Services, Murdoch Childrens Research Institute); PubMed 32928245 (cited by Victorian Clinical Genetics Services, Murdoch Childrens Research Institute and Labcorp Genetics (formerly Invitae), Labcorp); PubMed 30098243 (cited by Labcorp Genetics (formerly Invitae), Labcorp); PubMed 8650576 (cited by 3 submitters); PubMed 18596924 (cited by 4 submitters); PubMed 23345197 (cited by Women's Health and Genetics/Laboratory Corporation of America, LabCorp and Counsyl); PubMed 23275527 (cited by Seattle Children's Hospital Molecular Genetics Laboratory, Seattle Children's Hospital and Counsyl); PubMed 24401662 (cited by Seattle Children's Hospital Molecular Genetics Laboratory, Seattle Children's Hospital and Counsyl); PubMed 20799350 (cited by Athena Diagnostics); PubMed 21674179 (cited by Athena Diagnostics); PubMed 9382893 (cited by Athena Diagnostics); PubMed 16442101 (cited by Athena Diagnostics); PubMed 9648840 (cited by Counsyl).

NM_000352.6(ABCC8):c.4432G>A (p.Gly1478Arg)

Gene: ABCC8 (ATP binding cassette subfamily C member 8; minus strand). Cytogenetic location: 11p15.1.
Variant type: single nucleotide variant.
Coding change: c.4432G>A on transcript NM_000352.6 (MANE Select); coding-DNA position 4432, G replaced by A.
Protein change: p.Gly1478Arg; replaces glycine 1478 with arginine.
Molecular consequence: missense variant. On other transcripts: non-coding transcript variant (1).
Genome position (GRCh38, 1-based): chr11:17,394,379, C>T on the plus strand (G>A on the coding strand, the complement: ABCC8 is on the minus strand). VCF-style: chr11-17394379-C-T. GRCh37 (hg19) VCF-style: chr11-17415926-C-T.
Other names: c.4435G>A, p.Gly1479Arg (NM_001287174.3); c.4498G>A, p.Gly1500Arg (NM_001351295.2); c.4432G>A, p.Gly1478Arg (NM_001351296.2); c.4429G>A, p.Gly1477Arg (NM_001351297.2); short protein forms G1478R, G1479R, G1477R, G1500R.
Identifiers: ClinVar variation 434045 (VCV000434045.20), dbSNP rs72559715, ClinGen allele CA218406864.